The following is an entry in ClinVar:

NM_004991.4(MECOM):c.1565A>T (p.Asn522Ile)

Gene: MECOM (MDS1 and EVI1 complex locus; minus strand). Cytogenetic location: 3q26.2.
Variant type: single nucleotide variant.
Coding change: c.1565A>T on transcript NM_004991.4 (MANE Select); coding-DNA position 1565, A replaced by T.
Protein change: p.Asn522Ile; replaces asparagine 522 with isoleucine.
Molecular consequence: missense variant. On other transcripts: intron variant (2).
Genome position (GRCh38, 1-based): chr3:169,116,307, T>A on the plus strand (A>T on the coding strand, the complement: MECOM is on the minus strand). VCF-style: chr3-169116307-T-A. GRCh37 (hg19) VCF-style: chr3-168834095-T-A.
Other names: c.1196A>T, p.Asn399Ile (NM_001105077.4); c.1001A>T, p.Asn334Ile (NM_001105078.4, NM_001164000.2, NM_001205194.2 and 4 more transcripts); c.1004A>T, p.Asn335Ile (NM_001163999.2, NM_001366467.2, NM_001366468.2 and 1 more transcripts); c.1565A>T, p.Asn522Ile (NM_001366466.2); c.1133-540A>T (NM_001366473.2); c.569-540A>T (NM_001366474.2); short protein forms N334I, N399I, N522I, N335I.
Identifiers: ClinVar variation 3394385 (VCV003394385.1).
Genomic context (GRCh38, chr3:169,116,307, plus strand): 5'-AAAATATCCTGTGTAGCTGGCAGTATCTGAGGATGTGTCATGAGGGGACTTTGACTTTTG[T>A]TTGTCTGTTCAGTACTTGATAGTCCTTTAACAGGAGAACTAGCAGGTATCAAAGGAGGCC-3'
Protein context (NP_004982.2, residues 512-532): VKGLSSTEQT[Asn522Ile]KSQSPLMTHP

ClinVar aggregate classification (germline): Uncertain significance (1 of 4 stars; one submission).

Conditions:
Inborn genetic diseases. Identifiers: MedGen C0950123, MeSH D030342.

Submission:

Ambry Genetics
Classification: Uncertain significance for Inborn genetic diseases. Last evaluated: 2024-12-08. Review status: criteria provided, single submitter. Criteria: Ambry Variant Classification Scheme 2023. Collection method: clinical testing. Allele origin: germline.
Comment: The p.N522I variant (also known as c.1565A>T), located in coding exon 8 of the MECOM gene, results from an A to T substitution at nucleotide position 1565. The asparagine at codon 522 is replaced by isoleucine, an amino acid with dissimilar properties. This amino acid position is conserved. In addition, this alteration is predicted to be tolerated by in silico analysis. Based on the available evidence, the clinical significance of this variant remains unclear.